The following is an entry in ClinVar:

NM_015335.5(MED13L):c.4119G>A (p.Ser1373=)

Gene: MED13L (mediator complex subunit 13L; minus strand). Cytogenetic location: 12q24.21.
Variant type: single nucleotide variant.
Coding change: c.4119G>A on transcript NM_015335.5 (MANE Select); coding-DNA position 4119, G replaced by A.
Protein change: p.Ser1373=; no amino-acid change (serine 1373 retained).
Molecular consequence: synonymous variant.
Genome position (GRCh38, 1-based): chr12:115,986,485, C>T on the plus strand (G>A on the coding strand, the complement: MED13L is on the minus strand). VCF-style: chr12-115986485-C-T. GRCh37 (hg19) VCF-style: chr12-116424290-C-T.
Identifiers: ClinVar variation 2085107 (VCV002085107.26), dbSNP rs376574569, ClinGen allele CA6810859.

ClinVar aggregate classification (germline): Likely benign. Review status: criteria provided, multiple submitters, no conflicts (2 of 4 stars). 2 submissions from 2 submitters: Likely benign (2). Last evaluated 2025-08-21.

Conditions:
Dextro-looped transposition of the great arteries. Also called: Dextrotransposition of the great arteries. Identifiers: Orphanet 860, MedGen C3531771, MONDO:0019443, OMIM 608808, HP:0031348.

Allele frequency attached by ClinVar (database versions not stated): TOPMed 0.00002; ExAC 0.00003; gnomAD 0.00003; ESP Exome Variant Server 0.00008.
gnomAD v4.1: 53 of 1,613,518 alleles (0.0033%); highest among the groups gnomAD compares: Non-Finnish European, 0.0037%; no homozygotes.

Submissions (2):

Labcorp Genetics (formerly Invitae), Labcorp
Classification: Likely benign for Dextro-looped transposition of the great arteries. Last evaluated: 2025-08-21. Review status: criteria provided, single submitter. Criteria: Invitae Variant Classification Sherloc (09022015). Collection method: clinical testing. Allele origin: germline.

CeGaT Center for Human Genetics Tuebingen
Classification: Likely benign. Last evaluated: 2023-12-01. Review status: criteria provided, single submitter. Criteria: CeGaT Center For Human Genetics Tuebingen Variant Classification Criteria Version 2. Collection method: clinical testing. Allele origin: germline. Affected: yes. Observed: 1 variant allele.
Comment: MED13L: BP4, BP7